The following is an entry in ClinVar:

ClinVar aggregate classification (germline): Pathogenic/Likely pathogenic. Review status: criteria provided, multiple submitters, no conflicts (2 of 4 stars). 9 submissions from 9 submitters: Pathogenic (4); Likely pathogenic (4). 1 of the submissions does not count toward it. Last evaluated 2025-06-09.

Conditions:
Joubert syndrome. Also called: JOUBERT-BOLTSHAUSER SYNDROME; Familial aplasia of the vermis. Identifiers: Orphanet 475, MedGen C5979921, MONDO:0018772.
Nephronophthisis. Also called: Juvenile Nephronophthisis. Identifiers: Orphanet 655, MedGen C0687120, MONDO:0019005, HP:0000090.
Meckel-Gruber syndrome. Also called: Dysencephalia splachnocystica; GRUBER SYNDROME; DYSENCEPHALIA SPLANCHNOCYSTICA. Identifiers: Orphanet 564, MedGen C0265215, MONDO:0018921.
Meckel syndrome, type 4 (MKS4). Also called: MECKEL-GRUBER SYNDROME, TYPE 4. Identifiers: Orphanet 564, MedGen C1970161, MONDO:0012626, OMIM 611134.
Senior-Loken syndrome 6 (SLSN6). Identifiers: Orphanet 3156, MedGen C1857779, MONDO:0012433, OMIM 610189.
Joubert syndrome 5 (JBTS5). Identifiers: Orphanet 2318, MedGen C1857780, MONDO:0012432, OMIM 610188.
Bardet-Biedl syndrome 14 (BBS14). Identifiers: Orphanet 110, MedGen C2673874, MONDO:0014442, OMIM 615991.
Leber congenital amaurosis 10 (LCA10). Identifiers: Orphanet 65, MedGen C1857821, MONDO:0012723, OMIM 611755.
CEP290-related ciliopathy. Also called: CEP290 ciliopathy. Identifiers: MedGen CN305601, MONDO:0100451.
CEP290-related disorder. Also called: CEP290-related disorders; CEP290-related condition. Identifiers: MedGen CN239314.
Leber congenital amaurosis (LCA). Also called: Leber's amaurosis. Identifiers: Orphanet 65, MedGen C0339527, MeSH D057130, MONDO:0018998.

Submissions (9):

Natera, Inc.
Classification: Likely pathogenic for Leber congenital amaurosis. Last evaluated: 2025-06-09. Review status: criteria provided, single submitter. Criteria: Natera Variant Classification Schema (03/2026). Collection method: clinical testing. Allele origin: germline.
Comment: The c.6448_6455delCAGTTGAA variant in CEP290 is a frameshift variant predicted to shift the reading frame beginning at codon 2150 and leads to a stop codon 8 codons downstream. This variant is expected to result in nonsense mediated decay, truncation, or a dysfunctional protein product. This variant is rare in the general population with a frequency below the threshold expected for the associated phenotype(s). Given the available evidence, this variant is classified as Likely Pathogenic.

Myriad Genetics, Inc.
Classification: Pathogenic for CEP290-related ciliopathy. Last evaluated: 2025-01-29. Review status: criteria provided, single submitter. Criteria: Myriad Autosomal Dominant, Autosomal Recessive and X-Linked Classification Criteria (2023). Collection method: clinical testing. Allele origin: unknown.
Comment: NM_025114.3(CEP290):c.6448_6455del8(Q2150Kfs*8) is a frameshift variant classified as pathogenic in the context of CEP290-related disorders. Q2150Kfs*8 has been observed in a case with relevant disease (PMID: 36580738). Relevant functional assessments of this variant are not available in the literature. Q2150Kfs*8 has not been observed in referenced population frequency databases. In summary, NM_025114.3(CEP290):c.6448_6455del8(Q2150Kfs*8) is a frameshift variant in a gene where loss of function is a known mechanism of disease, is predicted to disrupt protein function, and has been observed more frequently in cases with the relevant disease than in healthy populations. Please note: this variant was assessed in the context of healthy population screening.

Blueprint Genetics
Classification: Likely pathogenic for CEP290-related disorders. Last evaluated: 2024-08-22. Review status: criteria provided, single submitter. Criteria: ACMG Guidelines, 2015. Collection method: clinical testing. Allele origin: germline. Affected: yes. Observed: 3 variant alleles.

Baylor Genetics
Classification: Likely pathogenic for Bardet-Biedl syndrome 14. Last evaluated: 2023-10-17. Review status: criteria provided, single submitter. Criteria: ACMG Guidelines, 2015. Collection method: clinical testing. Allele origin: unknown.

GeneDx
Classification: Pathogenic. Last evaluated: 2023-08-29. Review status: criteria provided, single submitter. Criteria: GeneDx Variant Classification Process June 2021. Collection method: clinical testing. Allele origin: germline. Affected: yes.
Comment: Frameshift variant predicted to result in protein truncation or nonsense mediated decay in a gene for which loss of function is a known mechanism of disease; Not observed at significant frequency in large population cohorts (gnomAD); This variant is associated with the following publications: (PMID: 36580738)

Labcorp Genetics (formerly Invitae), Labcorp
Classification: Pathogenic for Joubert syndrome; Meckel-Gruber syndrome; Nephronophthisis. Last evaluated: 2022-10-30. Review status: criteria provided, single submitter. Criteria: Invitae Variant Classification Sherloc (09022015). Collection method: clinical testing. Allele origin: germline.
Comment: The frequency data for this variant in the population databases is considered unreliable, as metrics indicate poor data quality at this position in the gnomAD database. This sequence change creates a premature translational stop signal (p.Gln2150Lysfs*8) in the CEP290 gene. It is expected to result in an absent or disrupted protein product. Loss-of-function variants in CEP290 are known to be pathogenic (PMID: 16909394, 17345604, 20690115). This variant has not been reported in the literature in individuals affected with CEP290-related conditions. ClinVar contains an entry for this variant (Variation ID: 855145). For these reasons, this variant has been classified as Pathogenic.

Fulgent Genetics
Classification: Likely pathogenic for Joubert syndrome 5; Senior-Loken syndrome 6; Meckel syndrome, type 4; Leber congenital amaurosis 10; Bardet-Biedl syndrome 14. Last evaluated: 2021-10-29. Review status: criteria provided, single submitter. Criteria: ACMG Guidelines, 2015. Collection method: clinical testing. Allele origin: unknown.

Institute of Medical Genetics and Applied Genomics, University Hospital Tübingen
Classification: Pathogenic. Last evaluated: 2020-10-23. Review status: criteria provided, single submitter. Criteria: ACMG Guidelines, 2015. Collection method: clinical testing. Allele origin: germline. Inheritance: Unknown mechanism. Affected: yes.

PreventionGenetics, part of Exact Sciences
Classification: Likely pathogenic for CEP290-related condition. Last evaluated: 2024-05-14. Review status: no assertion criteria provided. Collection method: clinical testing. Allele origin: germline. Not counted in ClinVar's aggregate classification.
Comment: The CEP290 c.6448_6455del8 variant is predicted to result in a frameshift and premature protein termination (p.Gln2150Lysfs*8). To our knowledge, this variant has not been reported in the literature. This variant is reported in 0.0065% of alleles in individuals of European (Non-Finnish) descent in gnomAD. Frameshift variants in CEP290 are expected to be pathogenic. This variant is interpreted as likely pathogenic.

Literature cited by the submitters: PubMed 36580738 (cited by Myriad Genetics, Inc.); PubMed 16909394 (cited by Labcorp Genetics (formerly Invitae), Labcorp); PubMed 17345604 (cited by Labcorp Genetics (formerly Invitae), Labcorp); PubMed 20690115 (cited by Labcorp Genetics (formerly Invitae), Labcorp).

NM_025114.4(CEP290):c.6448_6455del (p.Gln2150fs)

Gene: CEP290 (centrosomal protein 290; minus strand). Cytogenetic location: 12q21.32.
Variant type: Deletion.
Coding change: c.6448_6455del on transcript NM_025114.4 (MANE Select); coding-DNA positions 6448 to 6455, 8 bases deleted (CAGTTGAA; older notation c.6448_6455delCAGTTGAA).
Protein change: p.Gln2150fs; shifts the reading frame from glutamine 2150.
Molecular consequence: frameshift variant.
Genome position (GRCh38, 1-based): chr12:88,060,897-88,060,904, TTCAACTG deleted on the plus strand (CAGTTGAA on the coding strand, the reverse complement: CEP290 is on the minus strand); deleting any 8 consecutive bases within chr12:88,060,897-88,060,908 gives the same sequence; the c. name uses the placement nearest the transcript's 3' end. VCF-style (leftmost placement, unchanged base first): chr12-88060896-TTTCAACTG-T. GRCh37 (hg19) VCF-style: chr12-88454673-TTTCAACTG-T.
Other names: c.6448_6455del8 (NM_025114.3); c.6448_6455delCAGTTGAA (NM_025114.3); short protein forms Q2150fs.
Identifiers: ClinVar variation 855145 (VCV000855145.17), dbSNP rs1364945778, ClinGen allele CA606675633.